The following is an entry in ClinVar:

ClinVar aggregate classification (germline): Uncertain significance. Review status: criteria provided, multiple submitters, no conflicts (2 of 4 stars). 2 submissions from 2 submitters: Uncertain significance (2). Last evaluated 2022-04-13.

Conditions:
Microcephaly 1, primary, autosomal recessive (MCPH1). Also called: PREMATURE CHROMOSOME CONDENSATION SYNDROME; PCC SYNDROME; PREMATURE CHROMOSOME CONDENSATION WITH MICROCEPHALY AND MENTAL RETARDATION. Identifiers: Orphanet 2512, MedGen C1855081, MONDO:0009617, OMIM 251200.

Allele frequency attached by ClinVar (database versions not stated): ExAC 0.00001; gnomAD exomes 0.00001; gnomAD 0.00005 and 0.00006; TOPMed 0.00008.
gnomAD v4.1: 27 of 1,614,094 alleles (0.0017%); highest among the groups gnomAD compares: African/African-American, 0.019%; no homozygotes.

Submissions (2):

Fulgent Genetics
Classification: Uncertain significance for Microcephaly 1, primary, autosomal recessive. Last evaluated: 2022-04-13. Review status: criteria provided, single submitter. Criteria: ACMG Guidelines, 2015. Collection method: clinical testing. Allele origin: unknown.

Labcorp Genetics (formerly Invitae), Labcorp
Classification: Uncertain significance. Last evaluated: 2021-12-08. Review status: criteria provided, single submitter. Criteria: Invitae Variant Classification Sherloc (09022015). Collection method: clinical testing. Allele origin: germline.
Comment: This sequence change replaces arginine, which is basic and polar, with cysteine, which is neutral and slightly polar, at codon 493 of the MCPH1 protein (p.Arg493Cys). This variant is present in population databases (rs757646355, gnomAD 0.008%). This variant has not been reported in the literature in individuals affected with MCPH1-related conditions. Algorithms developed to predict the effect of missense changes on protein structure and function output the following: SIFT: "Not Available"; PolyPhen-2: "Benign"; Align-GVGD: "Not Available". The cysteine amino acid residue is found in multiple mammalian species, which suggests that this missense change does not adversely affect protein function. In summary, the available evidence is currently insufficient to determine the role of this variant in disease. Therefore, it has been classified as a Variant of Uncertain Significance.

NM_024596.5(MCPH1):c.1477C>T (p.Arg493Cys)

Gene: MCPH1 (microcephalin 1; plus strand). Cytogenetic location: 8p23.1.
Variant type: single nucleotide variant.
Coding change: c.1477C>T on transcript NM_024596.5 (MANE Select); coding-DNA position 1477, C replaced by T.
Protein change: p.Arg493Cys; replaces arginine 493 with cysteine.
Molecular consequence: missense variant. On other transcripts: non-coding transcript variant (1).
Genome position (GRCh38, 1-based): chr8:6,445,199, C>T. VCF-style: chr8-6445199-C-T. GRCh37 (hg19) VCF-style: chr8-6302720-C-T.
Other names: c.1477C>T, p.Arg493Cys (NM_001172574.2, NM_001322042.2, NM_001363979.1 and 1 more transcripts); c.1333C>T, p.Arg445Cys (NM_001172575.2); c.1471C>T, p.Arg491Cys (NM_001322043.2); c.1375C>T, p.Arg459Cys (NM_001322045.2); short protein forms R459C, R491C, R493C, R445C.
Identifiers: ClinVar variation 1409670 (VCV001409670.4), dbSNP rs757646355, ClinGen allele CA4610567.